The following is an entry in ClinVar:

ClinVar aggregate classification (germline): Pathogenic. Review status: criteria provided, multiple submitters, no conflicts (2 of 4 stars). 2 submissions from 2 submitters: Pathogenic (2). Last evaluated 2023-07-20.

Conditions:
Neurodevelopmental disorder. Identifiers: MedGen C1535926, MeSH D065886, MONDO:0700092.
Dextro-looped transposition of the great arteries. Also called: Dextrotransposition of the great arteries. Identifiers: Orphanet 860, MedGen C3531771, MONDO:0019443, OMIM 608808, HP:0031348.

Submissions (2):

Labcorp Genetics (formerly Invitae), Labcorp
Classification: Pathogenic for Dextro-looped transposition of the great arteries. Last evaluated: 2023-07-20. Review status: criteria provided, single submitter. Criteria: Invitae Variant Classification Sherloc (09022015). Collection method: clinical testing. Allele origin: germline.
Comment: For these reasons, this variant has been classified as Pathogenic. ClinVar contains an entry for this variant (Variation ID: 1064782). This premature translational stop signal has been observed in individual(s) with MED13L-related intellectual disability (PMID: 29959045). This variant is not present in population databases (gnomAD no frequency). This sequence change creates a premature translational stop signal (p.Gln691*) in the MED13L gene. It is expected to result in an absent or disrupted protein product. Loss-of-function variants in MED13L are known to be pathogenic (PMID: 25712080, 25758992).

Laboratory of Molecular Genetics (Pr. Bezieau's lab), CHU de Nantes
Classification: Pathogenic for Neurodevelopmental disorder. Last evaluated: 2020-02-19. Review status: criteria provided, single submitter. Criteria: ACMG Guidelines, 2015. Collection method: clinical testing. Allele origin: germline. Affected: yes.

Literature cited by the submitters: PubMed 29959045 (cited by Labcorp Genetics (formerly Invitae), Labcorp); PubMed 25712080 (cited by Labcorp Genetics (formerly Invitae), Labcorp); PubMed 25758992 (cited by Labcorp Genetics (formerly Invitae), Labcorp).

NM_015335.5(MED13L):c.2071C>T (p.Gln691Ter)

Gene: MED13L (mediator complex subunit 13L; minus strand). Cytogenetic location: 12q24.21.
Variant type: single nucleotide variant.
Coding change: c.2071C>T on transcript NM_015335.5 (MANE Select); coding-DNA position 2071, C replaced by T.
Protein change: p.Gln691Ter; replaces glutamine 691 with a stop codon.
Molecular consequence: nonsense.
Genome position (GRCh38, 1-based): chr12:116,007,578, G>A on the plus strand (C>T on the coding strand, the complement: MED13L is on the minus strand). VCF-style: chr12-116007578-G-A. GRCh37 (hg19) VCF-style: chr12-116445383-G-A.
Other names: short protein forms Q691*.
Identifiers: ClinVar variation 1064782 (VCV001064782.4), dbSNP rs2137378964, ClinGen allele CA386894626.